The following is an entry in ClinVar:

NM_024685.4(BBS10):c.2108T>A (p.Met703Lys)

Gene: BBS10 (Bardet-Biedl syndrome 10; minus strand). Cytogenetic location: 12q21.2.
Variant type: single nucleotide variant.
Coding change: c.2108T>A on transcript NM_024685.4 (MANE Select); coding-DNA position 2108, T replaced by A.
Protein change: p.Met703Lys; replaces methionine 703 with lysine.
Molecular consequence: missense variant.
Genome position (GRCh38, 1-based): chr12:76,345,877, A>T on the plus strand (T>A on the coding strand, the complement: BBS10 is on the minus strand). VCF-style: chr12-76345877-A-T. GRCh37 (hg19) VCF-style: chr12-76739657-A-T.
Other names: short protein forms M703K.
Identifiers: ClinVar variation 3344525 (VCV003344525.1).

ClinVar aggregate classification (germline): Uncertain significance (0 of 4 stars; one submission).

Conditions:
BBS10-related disorder. Also called: BBS10-related condition.

Submission:

PreventionGenetics, part of Exact Sciences
Classification: Uncertain significance for BBS10-related condition. Last evaluated: 2024-05-16. Review status: no assertion criteria provided. Collection method: clinical testing. Allele origin: germline.
Comment: The BBS10 c.2108T>A variant is predicted to result in the amino acid substitution p.Met703Lys. To our knowledge, this variant has not been reported in the literature or in a large population database, indicating this variant is rare. At this time, the clinical significance of this variant is uncertain due to the absence of conclusive functional and genetic evidence.